The following is an entry in ClinVar:

NM_031483.7(ITCH):c.1659A>G (p.Arg553=)

Gene: ITCH (itchy E3 ubiquitin protein ligase; plus strand). Cytogenetic location: 20q11.22.
Variant type: single nucleotide variant.
Coding change: c.1659A>G on transcript NM_031483.7 (MANE Select); coding-DNA position 1659, A replaced by G.
Protein change: p.Arg553=; no amino-acid change (arginine 553 retained).
Molecular consequence: synonymous variant.
Genome position (GRCh38, 1-based): chr20:34,479,630, A>G. VCF-style: chr20-34479630-A-G. GRCh37 (hg19) VCF-style: chr20-33067435-A-G.
Other names: c.1782A>G, p.Arg594= (NM_001257137.3, NM_001324197.2); c.1329A>G, p.Arg443= (NM_001257138.3); c.1659A>G, p.Arg553= (NM_001324198.2).
Identifiers: ClinVar variation 1003791 (VCV001003791.6), dbSNP rs774567222, ClinGen allele CA9821791.

ClinVar aggregate classification (germline): Uncertain significance (1 of 4 stars; one submission).

Conditions:
Syndromic multisystem autoimmune disease due to ITCH deficiency. Also called: AUTOIMMUNE DISEASE, MULTISYSTEM, WITH FACIAL DYSMORPHISM. Identifiers: Orphanet 228426, MedGen C3150649, MONDO:0013245, OMIM 613385.

Allele frequency attached by ClinVar (database versions not stated): ExAC 0.00002; gnomAD exomes 0.00002; TOPMed 0.00005.
gnomAD v4.1: 10 of 1,613,536 alleles (0.00062%); highest among the groups gnomAD compares: Admixed American, 0.005%; no homozygotes.

Submission:

Labcorp Genetics (formerly Invitae), Labcorp
Classification: Uncertain significance for Syndromic multisystem autoimmune disease due to ITCH deficiency. Last evaluated: 2022-07-05. Review status: criteria provided, single submitter. Criteria: Invitae Variant Classification Sherloc (09022015). Collection method: clinical testing. Allele origin: germline.
Comment: This sequence change affects codon 553 of the ITCH mRNA. It is a 'silent' change, meaning that it does not change the encoded amino acid sequence of the ITCH protein. It affects a nucleotide within the consensus splice site. This variant is present in population databases (rs774567222, gnomAD 0.009%). This variant has not been reported in the literature in individuals affected with ITCH-related conditions. ClinVar contains an entry for this variant (Variation ID: 1003791). Algorithms developed to predict the effect of sequence changes on RNA splicing suggest that this variant is not likely to affect RNA splicing. In summary, the available evidence is currently insufficient to determine the role of this variant in disease. Therefore, it has been classified as a Variant of Uncertain Significance.